The following is an entry in ClinVar:

NM_004168.4(SDHA):c.150+9A>G

Gene: SDHA (succinate dehydrogenase complex flavoprotein subunit A; plus strand). Cytogenetic location: 5p15.33.
Variant type: single nucleotide variant.
Coding change: c.150+9A>G on transcript NM_004168.4 (MANE Select); 9 bases into the intron after coding-DNA position 150, A replaced by G.
Molecular consequence: intron variant.
Genome position (GRCh38, 1-based): chr5:223,577, A>G. VCF-style: chr5-223577-A-G. GRCh37 (hg19) VCF-style: chr5-223692-A-G.
Other names: c.150+9A>G (NM_001330758.2, NM_001294332.2).
Identifiers: ClinVar variation 472336 (VCV000472336.12), dbSNP rs1553997201, ClinGen allele CA658657417.

ClinVar aggregate classification (germline): Likely benign. Review status: criteria provided, multiple submitters, no conflicts (2 of 4 stars). 2 submissions from 2 submitters: Likely benign (2). Last evaluated 2025-12-15.

Conditions:
Mitochondrial complex II deficiency, nuclear type 1. Also called: SUCCINATE CoQ REDUCTASE DEFICIENCY. Identifiers: Orphanet 3208, MedGen C5700310, MONDO:0100294, OMIM 252011.
Pheochromocytoma/paraganglioma syndrome 5. Also called: Paragangliomas 5; SDHA-Related Hereditary Paraganglioma-Pheochromocytoma Syndrome. Identifiers: Orphanet 29072, MedGen C3279992, MONDO:0013602, OMIM 614165.

Allele frequency attached by ClinVar (database versions not stated): gnomAD exomes below 0.00001.
gnomAD v4.1: 1 of 1,606,214 alleles (0.000062%); highest among the groups gnomAD compares: Non-Finnish European, 0.000085%; no homozygotes.

Submissions (2):

Labcorp Genetics (formerly Invitae), Labcorp
Classification: Likely benign for Pheochromocytoma/paraganglioma syndrome 5; Mitochondrial complex II deficiency, nuclear type 1. Last evaluated: 2025-12-15. Review status: criteria provided, single submitter. Criteria: Invitae Variant Classification Sherloc (09022015). Collection method: clinical testing. Allele origin: germline.

Myriad Genetics, Inc.
Classification: Likely benign for Pheochromocytoma/paraganglioma syndrome 5. Last evaluated: 2025-02-28. Review status: criteria provided, single submitter. Criteria: Myriad Autosomal Dominant, Autosomal Recessive and X-Linked Classification Criteria (2023). Collection method: clinical testing. Allele origin: unknown.
Comment: This variant is considered likely benign. This variant is intronic and is not expected to impact mRNA splicing.